The following is an entry in ClinVar:

ClinVar aggregate classification (germline): Uncertain significance (1 of 4 stars; one submission).

Conditions:
Hereditary breast ovarian cancer syndrome. Also called: Hereditary breast and ovarian cancer; Hereditary breast and/or ovarian cancer syndrome; Hereditary breast and ovarian cancer syndrome; Hereditary breast and ovarian cancer syndrome (HBOC); Breast and ovarian cancer; BRCA1- and BRCA2-Associated Hereditary Breast and Ovarian Cancer. Identifiers: Orphanet 145, MedGen C0677776, MeSH D061325, MONDO:0003582. Disease mechanism: loss of function.

Allele frequency attached by ClinVar (database versions not stated): gnomAD exomes below 0.00001.
gnomAD v4.1: 1 of 1,607,538 alleles (0.000062%); highest among the groups gnomAD compares: Non-Finnish European, 0.000085%; no homozygotes.

Submission:

Labcorp Genetics (formerly Invitae), Labcorp
Classification: Uncertain significance for Hereditary breast ovarian cancer syndrome. Last evaluated: 2025-03-24. Review status: criteria provided, single submitter. Criteria: Invitae Variant Classification Sherloc (09022015). Collection method: clinical testing. Allele origin: germline.
Comment: This sequence change replaces aspartic acid, which is acidic and polar, with glycine, which is neutral and non-polar, at codon 129 of the BRCA2 protein (p.Asp129Gly). This variant is not present in population databases (gnomAD no frequency). This variant has not been reported in the literature in individuals affected with BRCA2-related conditions. ClinVar contains an entry for this variant (Variation ID: 1379934). Invitae Evidence Modeling of protein sequence and biophysical properties (such as structural, functional, and spatial information, amino acid conservation, physicochemical variation, residue mobility, and thermodynamic stability) indicates that this missense variant is not expected to disrupt BRCA2 protein function with a negative predictive value of 95%. In summary, the available evidence is currently insufficient to determine the role of this variant in disease. Therefore, it has been classified as a Variant of Uncertain Significance.

NM_000059.4(BRCA2):c.386A>G (p.Asp129Gly)

Gene: BRCA2 (BRCA2 DNA repair associated; plus strand). Cytogenetic location: 13q13.1.
Variant type: single nucleotide variant.
Coding change: c.386A>G on transcript NM_000059.4 (MANE Select); coding-DNA position 386, A replaced by G.
Protein change: p.Asp129Gly; replaces aspartic acid 129 with glycine.
Molecular consequence: missense variant.
Genome position (GRCh38, 1-based): chr13:32,325,145, A>G. VCF-style: chr13-32325145-A-G. GRCh37 (hg19) VCF-style: chr13-32899282-A-G.
Other names: short protein forms D129G.
Identifiers: ClinVar variation 1379934 (VCV001379934.6), dbSNP rs2137446674, ClinGen allele CA387756668.
Genomic context (GRCh38, chr13:32,325,145, plus strand): 5'-TTCCCAATAGTAGACATAAAAGTCTTCGCACAGTGAAAACTAAAATGGATCAAGCAGATG[A>G]TGTTTCCTGTCCACTTCTAAATTCTTGTCTTAGTGAAAGGTATGATGAAGCTATTATATT-3'
Protein context (NP_000050.3, residues 119-139): TVKTKMDQAD[Asp129Gly]VSCPLLNSCL